The following is an entry in ClinVar:

ClinVar aggregate classification (germline): Uncertain significance. Review status: criteria provided, multiple submitters, no conflicts (2 of 4 stars). 2 submissions from 2 submitters: Uncertain significance (2). Last evaluated 2025-04-14.

Conditions:
Inborn genetic diseases. Identifiers: MedGen C0950123, MeSH D030342.

gnomAD v4.1: 14 of 1,613,396 alleles (0.00087%); highest among the groups gnomAD compares: East Asian, 0.0022%; no homozygotes.

Submissions (2):

Ambry Genetics
Classification: Uncertain significance for Inborn genetic diseases. Last evaluated: 2025-04-14. Review status: criteria provided, single submitter. Criteria: Ambry Variant Classification Scheme 2023. Collection method: clinical testing. Allele origin: germline.

GeneDx
Classification: Uncertain significance. Last evaluated: 2024-05-14. Review status: criteria provided, single submitter. Criteria: GeneDx Variant Classification Process June 2021. Collection method: clinical testing. Allele origin: germline. Affected: yes.
Comment: Not observed at significant frequency in large population cohorts (gnomAD); In silico analysis indicates that this missense variant does not alter protein structure/function; Has not been previously published as pathogenic or benign to our knowledge

NM_018051.5(DYNC2I1):c.2867C>T (p.Ala956Val)

Gene: DYNC2I1 (dynein 2 intermediate chain 1; plus strand). Cytogenetic location: 7q36.3.
Variant type: single nucleotide variant.
Coding change: c.2867C>T on transcript NM_018051.5 (MANE Select); coding-DNA position 2867, C replaced by T.
Protein change: p.Ala956Val; replaces alanine 956 with valine.
Molecular consequence: missense variant.
Genome position (GRCh38, 1-based): chr7:158,942,013, C>T. VCF-style: chr7-158942013-C-T. GRCh37 (hg19) VCF-style: chr7-158734704-C-T.
Other names: c.2729C>T, p.Ala910Val (NM_001350914.2); c.2294C>T, p.Ala765Val (NM_001350915.2); c.1406C>T, p.Ala469Val (NM_001350916.2); c.1619C>T, p.Ala540Val (NM_001350917.2, NM_001350918.2); short protein forms A469V, A540V, A765V, A910V, A956V.
Identifiers: ClinVar variation 3378266 (VCV003378266.2).